The following is an entry in ClinVar:

NM_138694.4(PKHD1):c.5381-9T>G

Gene: PKHD1 (PKHD1 ciliary IPT domain containing fibrocystin/polyductin; minus strand). Cytogenetic location: 6p12.2.
Variant type: single nucleotide variant.
Coding change: c.5381-9T>G on transcript NM_138694.4 (MANE Select); 9 bases into the intron before coding-DNA position 5381, T replaced by G.
Molecular consequence: intron variant.
Genome position (GRCh38, 1-based): chr6:52,017,638, A>C on the plus strand (T>G on the coding strand, the complement: PKHD1 is on the minus strand). VCF-style: chr6-52017638-A-C. GRCh37 (hg19) VCF-style: chr6-51882436-A-C.
Other names: c.5381-9T>G (NM_170724.3).
Identifiers: ClinVar variation 1450365 (VCV001450365.8), dbSNP rs1332944383, ClinGen allele CA567295851.

ClinVar aggregate classification (germline): Conflicting classifications of pathogenicity. Review status: criteria provided, conflicting classifications (1 of 4 stars). 3 submissions from 3 submitters: Likely pathogenic (2); Uncertain significance (1). Last evaluated 2026-02-25.

Conditions:
Autosomal recessive polycystic kidney disease (ARPKD). Also called: AR polycystic kidney disease. Identifiers: Orphanet 731, Orphanet 8378, MedGen C0085548, MeSH D017044, MONDO:0009889.
Polycystic kidney disease 4 (PKD4). Also called: Autosomal Recessive Polycystic Kidney Disease – PKHD1; POLYCYSTIC KIDNEY AND HEPATIC DISEASE 1; POLYCYSTIC KIDNEY DISEASE, INFANTILE, TYPE I; POLYCYSTIC KIDNEY DISEASE 4 WITH OR WITHOUT POLYCYSTIC LIVER DISEASE; PKD3. Identifiers: MedGen C4540575, MONDO:0033004, OMIM 263200.

Allele frequency attached by ClinVar (database versions not stated): gnomAD exomes below 0.00001.
gnomAD v4.1: 2 of 1,607,292 alleles (0.00012%); highest among the groups gnomAD compares: Non-Finnish European, 0.00017%; no homozygotes.

Submissions (3):

Dasa
Classification: Likely pathogenic for Polycystic kidney disease 4. Last evaluated: 2026-02-25. Review status: criteria provided, single submitter. Criteria: DASA Assertion Criteria. Collection method: clinical testing. Allele origin: germline.
Comment: NM_138694.4(PKHD1):c.5381-9T>G is a splice-region variant predicted to affect normal RNA splicing. Segregation data support an association with disease in the reported family/families (PMID: 35812281). This variant has been recurrently observed in individuals with PKHD1-related disorders (PMID: 35812281; PMID: 12846734). Also, this variant is rare in population databases. Computational evidence supports a deleterious effect. Based on the currently available evidence, this variant is classified as likely pathogenic.

3billion
Classification: Uncertain significance for Polycystic kidney disease 4. Last evaluated: 2024-06-12. Review status: criteria provided, single submitter. Criteria: ACMG Guidelines, 2015. Collection method: clinical testing. Allele origin: germline. Affected: yes.
Comment: The variant is observed at an extremely low frequency in the gnomAD v4.0.0 dataset (total allele frequency: <0.001%). Predicted Consequence/Location: Intron variant In silico tools predict the variant to alter splicing and produce an abnormal transcript [SpliceAI: 0.20 (>=0.2, moderate evidence for spliceogenicity)]. The variant has been reported to be in trans with a pathogenic variant as either compound heterozygous or homozygous in at least one similarly affected unrelated individual (PMID: 12846734). Therefore, this variant is classified as VUS according to the recommendation of ACMG/AMP guideline.

Labcorp Genetics (formerly Invitae), Labcorp
Classification: Likely pathogenic for Autosomal recessive polycystic kidney disease. Last evaluated: 2024-03-11. Review status: criteria provided, single submitter. Criteria: Invitae Variant Classification Sherloc (09022015). Collection method: clinical testing. Allele origin: germline.
Comment: This sequence change falls in intron 33 of the PKHD1 gene. It does not directly change the encoded amino acid sequence of the PKHD1 protein. This variant is present in population databases (no rsID available, gnomAD 0.0009%). This variant has been observed in individual(s) with clinical features of polycystic kidney disease (PMID: 12846734, 35812281; Invitae). In at least one individual the data is consistent with being in trans (on the opposite chromosome) from a pathogenic variant. This variant is also known as IVS33-9T>G. ClinVar contains an entry for this variant (Variation ID: 1450365). Algorithms developed to predict the effect of sequence changes on RNA splicing suggest that this variant is not likely to affect RNA splicing. In summary, the currently available evidence indicates that the variant is pathogenic, but additional data are needed to prove that conclusively. Therefore, this variant has been classified as Likely Pathogenic.

Literature cited by the submitters: PubMed 35812281 (cited by Dasa and Labcorp Genetics (formerly Invitae), Labcorp); PubMed 12846734 (cited by 3 submitters).